The following is an entry in ClinVar:

ClinVar aggregate classification (germline): Pathogenic/Likely pathogenic. Review status: criteria provided, multiple submitters, no conflicts (2 of 4 stars). 3 submissions from 3 submitters: Pathogenic (2); Likely pathogenic (1). Last evaluated 2025-08-20.

Conditions:
CACNA1A-related disorder. Also called: CACNA1A-related condition.
Developmental and epileptic encephalopathy, 42 (DEE42A). Also called: DEVELOPMENTAL AND EPILEPTIC ENCEPHALOPATHY 42A; EPILEPTIC ENCEPHALOPATHY, EARLY INFANTILE, 42A; Epileptic encephalopathy, early infantile, 42. Identifiers: MedGen C4310716, MONDO:0014917, OMIM 617106.
Episodic ataxia type 2 (EA2). Also called: ACETAZOLAMIDE-RESPONSIVE HEREDITARY PAROXYSMAL CEREBELLAR ATAXIA; ATAXIA, EPISODIC, WITH NYSTAGMUS; ATAXIA, FAMILIAL PAROXYSMAL; CEREBELLAR ATAXIA, PAROXYSMAL, ACETAZOLAMIDE-RESPONSIVE; CEREBELLOPATHY, HEREDITARY PAROXYSMAL; EPISODIC ATAXIA, NYSTAGMUS-ASSOCIATED. Identifiers: Orphanet 97, MedGen C1720416, MONDO:0007163, OMIM 108500.

Submissions (3):

Rady Children's Institute for Genomic Medicine, Rady Children's Hospital San Diego
Classification: Likely pathogenic for CACNA1A-related disorders. Last evaluated: 2025-08-20. Review status: criteria provided, single submitter. Criteria: ACMG Guidelines, 2015. Collection method: clinical testing. Allele origin: germline. Affected: yes.
Comment: This frameshifting variant in exon 11 of 47 is predicted to result in loss of normal protein function through either protein truncation or nonsense-mediated mRNA decay. Loss-of-function variation in CACNA1A is an established mechanism of disease (PMID: 25735478). This variant has been previously reported in a patient with childhood epilepsy (PMID: 31440721). This variant has been reported in the ClinVar database (Variation ID: 476235). The c.1439del (p.Arg480ProfsTer17) variant is absent from the latest version of the gnomAD population database and thus is presumed to be rare. Based on the available evidence, c.1439del (p.Arg480ProfsTer17) is classified as Likely Pathogenic.

Labcorp Genetics (formerly Invitae), Labcorp
Classification: Pathogenic for Developmental and epileptic encephalopathy, 42; Episodic ataxia type 2. Last evaluated: 2023-03-13. Review status: criteria provided, single submitter. Criteria: Invitae Variant Classification Sherloc (09022015). Collection method: clinical testing. Allele origin: germline.
Comment: For these reasons, this variant has been classified as Pathogenic. ClinVar contains an entry for this variant (Variation ID: 476235). This variant has not been reported in the literature in individuals affected with CACNA1A-related conditions. This variant is not present in population databases (gnomAD no frequency). This sequence change creates a premature translational stop signal (p.Arg481Profs*17) in the CACNA1A gene. It is expected to result in an absent or disrupted protein product. Loss-of-function variants in CACNA1A are known to be pathogenic (PMID: 10371528, 19486177, 25735478, 27250579).

ARUP Laboratories, Molecular Genetics and Genomics, ARUP Laboratories
Classification: Pathogenic. Last evaluated: 2017-05-16. Review status: criteria provided, single submitter. Criteria: ARUP Molecular Germline Variant Investigation Process. Collection method: clinical testing. Allele origin: germline.

Literature cited by the submitters: PubMed 25735478 (cited by Rady Children's Institute for Genomic Medicine, Rady Children's Hospital San Diego and Labcorp Genetics (formerly Invitae), Labcorp); PubMed 31440721 (cited by Rady Children's Institute for Genomic Medicine, Rady Children's Hospital San Diego); PubMed 10371528 (cited by Labcorp Genetics (formerly Invitae), Labcorp); PubMed 19486177 (cited by Labcorp Genetics (formerly Invitae), Labcorp); PubMed 27250579 (cited by Labcorp Genetics (formerly Invitae), Labcorp).

NM_001127222.2(CACNA1A):c.1439del (p.Arg480fs)

Gene: CACNA1A (calcium voltage-gated channel subunit alpha1 A; minus strand). Cytogenetic location: 19p13.13.
Variant type: Deletion.
Coding change: c.1439del on transcript NM_001127222.2 (MANE Select); coding-DNA position 1439, one base deleted (G; older notation c.1439delG).
Protein change: p.Arg480fs; shifts the reading frame from arginine 480.
Molecular consequence: frameshift variant.
Genome position (GRCh38, 1-based): chr19:13,317,228, C deleted on the plus strand (G on the coding strand, the reverse complement: CACNA1A is on the minus strand). VCF-style (leftmost placement, unchanged base first): chr19-13317227-GC-G. GRCh37 (hg19) VCF-style: chr19-13428041-GC-G.
Other names: c.1442del, p.Arg481fs (NM_000068.4, NM_001127221.2, NM_001174080.2 and 1 more transcripts); c.1442delG (NM_001127221.1); short protein forms R481fs, R480fs.
Identifiers: ClinVar variation 476235 (VCV000476235.14), dbSNP rs1555762908, ClinGen allele CA658658793.
Genomic context (GRCh38, chr19:13,317,227, plus strand): 5'-CGTGTTGAGAGCTACCAAACTGAGTACAGTCCAGTAGAAGGCCTGAGTTTTGACCATGCG[GC>G]GGATGTAGAAACGCATCCTCCTCTCCTTTTTGTGAAAAAAGGTCGAGTTCTCCAGCTTGG-3'